The following is an entry in ClinVar:

ClinVar aggregate classification (germline): Uncertain significance. Review status: criteria provided, multiple submitters, no conflicts (2 of 4 stars). 2 submissions from 2 submitters: Uncertain significance (2). Last evaluated 2025-12-06.

Allele frequency attached by ClinVar (database versions not stated): ExAC 0.00002; TOPMed 0.00002.

Submissions (2):

Labcorp Genetics (formerly Invitae), Labcorp
Classification: Uncertain significance. Last evaluated: 2025-12-06. Review status: criteria provided, single submitter. Criteria: Invitae Variant Classification Sherloc (09022015). Collection method: clinical testing. Allele origin: germline.
Comment: This sequence change replaces glycine, which is neutral and non-polar, with valine, which is neutral and non-polar, at codon 59 of the APOA1 protein (p.Gly59Val). This variant is present in population databases (rs775559386, gnomAD 0.08%). This variant has not been reported in the literature in individuals affected with APOA1-related conditions. ClinVar contains an entry for this variant (Variation ID: 1925385). Invitae Evidence Modeling of protein sequence and biophysical properties (such as structural, functional, and spatial information, amino acid conservation, physicochemical variation, residue mobility, and thermodynamic stability) has been performed for this missense variant. However, the output from this modeling did not meet the statistical confidence thresholds required to predict the impact of this variant on APOA1 protein function. In summary, the available evidence is currently insufficient to determine the role of this variant in disease. Therefore, it has been classified as a Variant of Uncertain Significance.

Blueprint Genetics
Classification: Uncertain significance. Last evaluated: 2023-12-18. Review status: criteria provided, single submitter. Criteria: ACMG Guidelines, 2015. Collection method: clinical testing. Allele origin: germline.

NM_000039.3(APOA1):c.176G>T (p.Gly59Val)

Genes: APOA1 (apolipoprotein A1; minus strand), APOA1-AS (APOA1 antisense RNA; plus strand). Cytogenetic location: 11q23.3.
Variant type: single nucleotide variant.
Coding change: c.176G>T on transcript NM_000039.3 (MANE Select); coding-DNA position 176, G replaced by T.
Protein change: p.Gly59Val; replaces glycine 59 with valine.
Molecular consequence: missense variant.
Genome position (GRCh38, 1-based): chr11:116,837,025, C>A on the plus strand (G>T on the coding strand, the complement: APOA1 is on the minus strand). VCF-style: chr11-116837025-C-A. GRCh37 (hg19) VCF-style: chr11-116707741-C-A.
Other names: c.176G>T, p.Gly59Val (NM_001318017.2, NM_001318018.2); c.-152G>T (NM_001318021.2); short protein forms G59V.
Identifiers: ClinVar variation 1925385 (VCV001925385.6), dbSNP rs775559386, ClinGen allele CA6289879.